The following is an entry in ClinVar:

NM_024409.4(NPPC):c.139G>A (p.Gly47Ser)

Gene: NPPC (natriuretic peptide C; minus strand). Cytogenetic location: 2q37.1.
Variant type: single nucleotide variant.
Coding change: c.139G>A on transcript NM_024409.4 (MANE Select); coding-DNA position 139, G replaced by A.
Protein change: p.Gly47Ser; replaces glycine 47 with serine.
Molecular consequence: missense variant.
Genome position (GRCh38, 1-based): chr2:231,925,667, C>T on the plus strand (G>A on the coding strand, the complement: NPPC is on the minus strand). VCF-style: chr2-231925667-C-T. GRCh37 (hg19) VCF-style: chr2-232790377-C-T.
Other names: short protein forms G47S.
Identifiers: ClinVar variation 2848883 (VCV002848883.3), dbSNP rs1044825519, ClinGen allele CA67489348.

ClinVar aggregate classification (germline): Uncertain significance (1 of 4 stars; one submission).

Allele frequency attached by ClinVar (database versions not stated): gnomAD exomes below 0.00001; gnomAD 0.00002; TOPMed 0.00003.
gnomAD v4.1: 4 of 1,599,970 alleles (0.00025%); highest among the groups gnomAD compares: African/African-American, 0.0054%; no homozygotes.

Submission:

Labcorp Genetics (formerly Invitae), Labcorp
Classification: Uncertain significance. Last evaluated: 2023-02-11. Review status: criteria provided, single submitter. Criteria: Invitae Variant Classification Sherloc (09022015). Collection method: clinical testing. Allele origin: germline.
Comment: In summary, the available evidence is currently insufficient to determine the role of this variant in disease. Therefore, it has been classified as a Variant of Uncertain Significance. This sequence change replaces glycine, which is neutral and non-polar, with serine, which is neutral and polar, at codon 47 of the NPPC protein (p.Gly47Ser). The frequency data for this variant in the population databases is considered unreliable, as metrics indicate poor data quality at this position in the gnomAD database. This variant has not been reported in the literature in individuals affected with NPPC-related conditions. Algorithms developed to predict the effect of missense changes on protein structure and function output the following: SIFT: "Not Available"; PolyPhen-2: "Possibly Damaging"; Align-GVGD: "Not Available". The serine amino acid residue is found in multiple mammalian species, which suggests that this missense change does not adversely affect protein function.